The following is an entry in ClinVar:

NM_001378454.1(ALMS1):c.3510A>C (p.Lys1170Asn)

Gene: ALMS1 (ALMS1 centrosome and basal body associated protein; plus strand). Cytogenetic location: 2p13.1.
Variant type: single nucleotide variant.
Coding change: c.3510A>C on transcript NM_001378454.1 (MANE Select); coding-DNA position 3510, A replaced by C.
Protein change: p.Lys1170Asn; replaces lysine 1170 with asparagine.
Molecular consequence: missense variant.
Genome position (GRCh38, 1-based): chr2:73,450,037, A>C. VCF-style: chr2-73450037-A-C. GRCh37 (hg19) VCF-style: chr2-73677164-A-C.
Other names: c.3513A>C, p.Lys1171Asn (NM_015120.4); short protein forms K1170N, K1171N.
Identifiers: ClinVar variation 952335 (VCV000952335.8), dbSNP rs1671897603, ClinGen allele CA347275808.
Genomic context (GRCh38, chr2:73,450,037, plus strand): 5'-GCCCAGCATTTTCCACCAGCAGGCCTTGCCAGGTACTCATATACCTGAAGAGGCTCAGAA[A>C]GTTTCAGCTGTTACTGGACCAGGTAACCAGAAGACTTGGATACCAAGAGTACTTTCTACC-3'
Protein context (NP_001365383.1, residues 1160-1180): PGTHIPEEAQ[Lys1170Asn]VSAVTGPGNQ

ClinVar aggregate classification (germline): Uncertain significance (1 of 4 stars; one submission).

Conditions:
Alstrom syndrome (ALMS). Identifiers: Orphanet 64, MedGen C0268425, MONDO:0008763, OMIM 203800.

Submission:

Labcorp Genetics (formerly Invitae), Labcorp
Classification: Uncertain significance for Alstrom syndrome. Last evaluated: 2019-05-31. Review status: criteria provided, single submitter. Criteria: Invitae Variant Classification Sherloc (09022015). Collection method: clinical testing. Allele origin: germline.
Comment: This sequence change replaces lysine with asparagine at codon 1171 of the ALMS1 protein (p.Lys1171Asn). The lysine residue is moderately conserved and there is a moderate physicochemical difference between lysine and asparagine. This variant is not present in population databases (ExAC no frequency). In summary, the available evidence is currently insufficient to determine the role of this variant in disease. Therefore, it has been classified as a Variant of Uncertain Significance. Algorithms developed to predict the effect of missense changes on protein structure and function are either unavailable or do not agree on the potential impact of this missense change (SIFT: "Deleterious"; PolyPhen-2: Not Available; Align-GVGD: "Class C0"). This variant has not been reported in the literature in individuals with ALMS1-related conditions.